The following is an entry in ClinVar:

ClinVar aggregate classification (germline): Uncertain significance. Review status: criteria provided, multiple submitters, no conflicts (2 of 4 stars). 2 submissions from 2 submitters: Uncertain significance (2). Last evaluated 2024-03-06.

Conditions:
Cardiomyopathy (CMYO). Also called: Cardiomyopathies. Identifiers: Orphanet 167848, MedGen C0878544, MONDO:0004994, HP:0001638. Inheritance: Various modes of inheritance.

Submissions (2):

Color Diagnostics, LLC DBA Color Health
Classification: Uncertain significance for Cardiomyopathy. Last evaluated: 2024-03-06. Review status: criteria provided, single submitter. Criteria: ACMG Guidelines, 2015. Collection method: clinical testing. Allele origin: germline.
Comment: This missense variant replaces isoleucine with threonine at codon 492 of the DSG2 protein. Computational prediction suggests that this variant may not impact protein structure and function (internally defined REVEL score threshold <= 0.5, PMID: 27666373). Splice site prediction tools suggest that this variant may not impact RNA splicing. To our knowledge, functional studies have not been performed for this variant. This variant has not been reported in individuals affected with cardiovascular disorders in the literature. This variant has not been identified in the general population by the Genome Aggregation Database (gnomAD). The available evidence is insufficient to determine the role of this variant in disease conclusively. Therefore, this variant is classified as a Variant of Uncertain Significance.

Mayo Clinic Laboratories, Mayo Clinic
Classification: Uncertain significance. Last evaluated: 2024-01-30. Review status: criteria provided, single submitter. Criteria: ACMG Guidelines, 2015. Collection method: clinical testing. Allele origin: germline. Observed: 1 variant allele.
Comment: BP4, PM2

NM_001943.5(DSG2):c.1475T>C (p.Ile492Thr)

Gene: DSG2 (desmoglein 2; plus strand). Cytogenetic location: 18q12.1.
Variant type: single nucleotide variant.
Coding change: c.1475T>C on transcript NM_001943.5 (MANE Select); coding-DNA position 1475, T replaced by C.
Protein change: p.Ile492Thr; replaces isoleucine 492 with threonine.
Molecular consequence: missense variant.
Genome position (GRCh38, 1-based): chr18:31,536,253, T>C. VCF-style: chr18-31536253-T-C. GRCh37 (hg19) VCF-style: chr18-29116216-T-C.
Other names: p.Ile492Thr; short protein forms I492T.
Identifiers: ClinVar variation 918900 (VCV000918900.5), dbSNP rs2073229530, ClinGen allele CA402141375.